The following is an entry in ClinVar:

ClinVar aggregate classification (germline): Uncertain significance (1 of 4 stars; one submission).

Allele frequency attached by ClinVar (database versions not stated): gnomAD exomes below 0.00001; gnomAD 0.00001.
gnomAD v4.1: 5 of 1,601,916 alleles (0.00031%); highest among the groups gnomAD compares: East Asian, 0.0067%; no homozygotes.

Submission:

Labcorp Genetics (formerly Invitae), Labcorp
Classification: Uncertain significance. Last evaluated: 2021-12-21. Review status: criteria provided, single submitter. Criteria: Invitae Variant Classification Sherloc (09022015). Collection method: clinical testing. Allele origin: germline.
Comment: This sequence change replaces isoleucine, which is neutral and non-polar, with threonine, which is neutral and polar, at codon 1048 of the ERBB4 protein (p.Ile1048Thr). In summary, the available evidence is currently insufficient to determine the role of this variant in disease. Therefore, it has been classified as a Variant of Uncertain Significance. Algorithms developed to predict the effect of missense changes on protein structure and function are either unavailable or do not agree on the potential impact of this missense change (SIFT: "Deleterious"; PolyPhen-2: "Benign"; Align-GVGD: "Class C0"). This variant has not been reported in the literature in individuals affected with ERBB4-related conditions. This variant is present in population databases (no rsID available, gnomAD 0.01%).

NM_005235.3(ERBB4):c.3143T>C (p.Ile1048Thr)

Gene: ERBB4 (erb-b2 receptor tyrosine kinase 4; minus strand). Cytogenetic location: 2q34.
Variant type: single nucleotide variant.
Coding change: c.3143T>C on transcript NM_005235.3 (MANE Select); coding-DNA position 3143, T replaced by C.
Protein change: p.Ile1048Thr; replaces isoleucine 1048 with threonine.
Molecular consequence: missense variant. On other transcripts: intron variant (2).
Genome position (GRCh38, 1-based): chr2:211,387,985, A>G on the plus strand (T>C on the coding strand, the complement: ERBB4 is on the minus strand). VCF-style: chr2-211387985-A-G. GRCh37 (hg19) VCF-style: chr2-212252710-A-G.
Other names: c.3113T>C, p.Ile1038Thr (NM_001439005.1); c.3136-835T>C (NM_001042599.2); c.3106-835T>C (NM_001439006.1); short protein forms I1048T, I1038T.
Identifiers: ClinVar variation 1951859 (VCV001951859.5), dbSNP rs1222680082, ClinGen allele CA350781118.